The following is an entry in ClinVar:

NM_001999.4(FBN2):c.5228G>C (p.Ser1743Thr)

Gene: FBN2 (fibrillin 2; minus strand). Cytogenetic location: 5q23.3.
Variant type: single nucleotide variant.
Coding change: c.5228G>C on transcript NM_001999.4 (MANE Select); coding-DNA position 5228, G replaced by C.
Protein change: p.Ser1743Thr; replaces serine 1743 with threonine.
Molecular consequence: missense variant.
Genome position (GRCh38, 1-based): chr5:128,309,372, C>G on the plus strand (G>C on the coding strand, the complement: FBN2 is on the minus strand). VCF-style: chr5-128309372-C-G. GRCh37 (hg19) VCF-style: chr5-127645064-C-G.
Other names: short protein forms S1743T.
Identifiers: ClinVar variation 4749585 (VCV004749585.1).
Genomic context (GRCh38, chr5:128,309,372, plus strand): 5'-CAGCACATCCTTTTTGTCACATTGAAAGGCAACTCATTCTCACAAGTGGTTCCATTATAG[C>G]TTCGGTAGCAAAAGCTTTTTCTCATGTCTATATAAAGAAAAACAAAGAAACTAGCCATTT-3'
Protein context (NP_001990.2, residues 1733-1753): MDMRKSFCYR[Ser1743Thr]YNGTTCENEL

ClinVar aggregate classification (germline): Uncertain significance (1 of 4 stars; one submission).

Conditions:
Congenital contractural arachnodactyly (CCA). Also called: BEALS SYNDROME; Arthrogryposis, distal, type 9; Beals-Hecht syndrome. Identifiers: Orphanet 115, MedGen C0220668, MONDO:0007363, OMIM 121050.

Submission:

Labcorp Genetics (formerly Invitae), Labcorp
Classification: Uncertain significance for Congenital contractural arachnodactyly. Last evaluated: 2026-01-11. Review status: criteria provided, single submitter. Criteria: Invitae Variant Classification Sherloc (09022015). Collection method: clinical testing. Allele origin: germline.
Comment: This sequence change replaces serine, which is neutral and polar, with threonine, which is neutral and polar, at codon 1743 of the FBN2 protein (p.Ser1743Thr). This variant is present in population databases (no rsID available, gnomAD 0.0009%). This variant has not been reported in the literature in individuals affected with FBN2-related conditions. Invitae Evidence Modeling of protein sequence and biophysical properties (such as structural, functional, and spatial information, amino acid conservation, physicochemical variation, residue mobility, and thermodynamic stability) indicates that this missense variant is not expected to disrupt FBN2 protein function with a negative predictive value of 80%. In summary, the available evidence is currently insufficient to determine the role of this variant in disease. Therefore, it has been classified as a Variant of Uncertain Significance.